The following is an entry in ClinVar:

ClinVar aggregate classification (germline): Likely benign. Review status: criteria provided, single submitter (1 of 4 stars). 2 submissions from 2 submitters: Likely benign (1). 1 of the submissions does not count toward it. Last evaluated 2025-08-29.

Conditions:
ADCY1-related disorder. Also called: ADCY1-related condition.

Allele frequency attached by ClinVar (database versions not stated): gnomAD 0.00004; TOPMed 0.00006; ExAC 0.00004; 1000 Genomes Project 30x 0.00016; gnomAD exomes 0.00002; ESP Exome Variant Server 0.00008; 1000 Genomes Project 0.00020.
gnomAD v4.1: 31 of 1,612,910 alleles (0.0019%); highest among the groups gnomAD compares: African/African-American, 0.023%; no homozygotes.

Submissions (2):

Labcorp Genetics (formerly Invitae), Labcorp
Classification: Likely benign. Last evaluated: 2025-08-29. Review status: criteria provided, single submitter. Criteria: Invitae Variant Classification Sherloc (09022015). Collection method: clinical testing. Allele origin: germline.

PreventionGenetics, part of Exact Sciences
Classification: Likely benign for ADCY1-related condition. Last evaluated: 2023-07-13. Review status: no assertion criteria provided. Collection method: clinical testing. Allele origin: germline. Not counted in ClinVar's aggregate classification.
Comment: This variant is classified as likely benign based on ACMG/AMP sequence variant interpretation guidelines (Richards et al. 2015 PMID: 25741868, with internal and published modifications).

NM_021116.4(ADCY1):c.2355C>T (p.Tyr785=)

Gene: ADCY1 (adenylate cyclase 1; plus strand). Cytogenetic location: 7p12.3.
Variant type: single nucleotide variant.
Coding change: c.2355C>T on transcript NM_021116.4 (MANE Select); coding-DNA position 2355, C replaced by T.
Protein change: p.Tyr785=; no amino-acid change (tyrosine 785 retained).
Molecular consequence: synonymous variant.
Genome position (GRCh38, 1-based): chr7:45,686,574, C>T. VCF-style: chr7-45686574-C-T. GRCh37 (hg19) VCF-style: chr7-45726173-C-T.
Other names: c.2355C>T (NM_021116.2).
Identifiers: ClinVar variation 2977331 (VCV002977331.5), dbSNP rs145852812, ClinGen allele CA4249226.